The following is an entry in ClinVar:

ClinVar aggregate classification (germline): Uncertain significance (1 of 4 stars; one submission).

Allele frequency attached by ClinVar (database versions not stated): TOPMed 0.00001; gnomAD exomes 0.00002.
gnomAD v4.1: 27 of 1,614,116 alleles (0.0017%); highest among the groups gnomAD compares: Non-Finnish European, 0.0023%; no homozygotes.

Submission:

Labcorp Genetics (formerly Invitae), Labcorp
Classification: Uncertain significance. Last evaluated: 2022-08-12. Review status: criteria provided, single submitter. Criteria: Invitae Variant Classification Sherloc (09022015). Collection method: clinical testing. Allele origin: germline.
Comment: In summary, the available evidence is currently insufficient to determine the role of this variant in disease. Therefore, it has been classified as a Variant of Uncertain Significance. Algorithms developed to predict the effect of missense changes on protein structure and function are either unavailable or do not agree on the potential impact of this missense change (SIFT: "Tolerated"; PolyPhen-2: "Probably Damaging"; Align-GVGD: "Class C0"). This sequence change replaces leucine, which is neutral and non-polar, with valine, which is neutral and non-polar, at codon 956 of the RUSC2 protein (p.Leu956Val). This variant is not present in population databases (gnomAD no frequency). This variant has not been reported in the literature in individuals affected with RUSC2-related conditions.

NM_014806.5(RUSC2):c.2866C>G (p.Leu956Val)

Gene: RUSC2 (RUN and SH3 domain containing 2; plus strand). Cytogenetic location: 9p13.3.
Variant type: single nucleotide variant.
Coding change: c.2866C>G on transcript NM_014806.5 (MANE Select); coding-DNA position 2866, C replaced by G.
Protein change: p.Leu956Val; replaces leucine 956 with valine.
Molecular consequence: missense variant. On other transcripts: non-coding transcript variant (1).
Genome position (GRCh38, 1-based): chr9:35,556,331, C>G. VCF-style: chr9-35556331-C-G. GRCh37 (hg19) VCF-style: chr9-35556328-C-G.
Other names: c.2866C>G, p.Leu956Val (NM_001135999.2); c.232C>G, p.Leu78Val (NM_001330740.2); short protein forms L78V, L956V.
Identifiers: ClinVar variation 2114305 (VCV002114305.4), dbSNP rs1200349342, ClinGen allele CA373345410.